The following is an entry in ClinVar:

NM_001378120.1(MBD5):c.2632C>G (p.Pro878Ala)

Gene: MBD5 (methyl-CpG binding domain protein 5; plus strand). Cytogenetic location: 2q23.1.
Variant type: single nucleotide variant.
Coding change: c.2632C>G on transcript NM_001378120.1 (MANE Select); coding-DNA position 2632, C replaced by G.
Protein change: p.Pro878Ala; replaces proline 878 with alanine.
Molecular consequence: missense variant.
Genome position (GRCh38, 1-based): chr2:148,483,223, C>G. VCF-style: chr2-148483223-C-G. GRCh37 (hg19) VCF-style: chr2-149240792-C-G.
Other names: p.P878A:CCA>GCA; c.2632C>G, p.Pro878Ala (NM_018328.5); short protein forms P878A.
Identifiers: ClinVar variation 206114 (VCV000206114.8), dbSNP rs752535474, ClinGen allele CA315883.

ClinVar aggregate classification (germline): Uncertain significance. Review status: criteria provided, multiple submitters, no conflicts (2 of 4 stars). 2 submissions from 2 submitters: Uncertain significance (2). Last evaluated 2024-10-23.

Conditions:
Intellectual developmental disorder, autosomal dominant 1. Also called: Intellectual disability, autosomal dominant 1; MBD5 Haploinsufficiency. Identifiers: Orphanet 228402, MedGen C1969562, MONDO:0007974, OMIM 156200.

Allele frequency attached by ClinVar (database versions not stated): ExAC 0.00001; TOPMed 0.00001; gnomAD exomes 0.00002.
gnomAD v4.1: 6 of 1,613,862 alleles (0.00037%); highest among the groups gnomAD compares: Admixed American, 0.01%; no homozygotes.

Submissions (2):

Labcorp Genetics (formerly Invitae), Labcorp
Classification: Uncertain significance for Intellectual developmental disorder, autosomal dominant 1. Last evaluated: 2024-10-23. Review status: criteria provided, single submitter. Criteria: Invitae Variant Classification Sherloc (09022015). Collection method: clinical testing. Allele origin: germline.
Comment: This sequence change replaces proline, which is neutral and non-polar, with alanine, which is neutral and non-polar, at codon 878 of the MBD5 protein (p.Pro878Ala). This variant is present in population databases (rs752535474, gnomAD 0.01%). This variant has not been reported in the literature in individuals affected with MBD5-related conditions. ClinVar contains an entry for this variant (Variation ID: 206114). Invitae Evidence Modeling of protein sequence and biophysical properties (such as structural, functional, and spatial information, amino acid conservation, physicochemical variation, residue mobility, and thermodynamic stability) indicates that this missense variant is not expected to disrupt MBD5 protein function with a negative predictive value of 80%. In summary, the available evidence is currently insufficient to determine the role of this variant in disease. Therefore, it has been classified as a Variant of Uncertain Significance.

GeneDx
Classification: Uncertain significance. Last evaluated: 2015-10-31. Review status: criteria provided, single submitter. Criteria: GeneDx Variant Classification (06012015). Collection method: clinical testing. Allele origin: germline. Affected: yes.
Comment: p.Pro878Ala (CCA>GCA): c.2632 C>G in exon 10 of the MBD5 gene (NM_018328.4) The P878A variant has not been published as a mutation, nor has it been reported as a benign polymorphism to our knowledge. It was not observed in approximately 6,500 individuals of European and African American ancestry in the NHLBI Exome Sequencing Project, indicating it is not a common benign variant in these populations. This substitution occurs at a position that is conserved across mammals; however, missense mutations in nearby residues have not been reported in association with epilepsy. Additionally, the P878A variant is a conservative amino acid substitution, which is not likely to impact secondary protein structure as these residues share similar properties. In silico analysis is inconsistent in its predictions as to whether or not the variant is damaging to the protein structure/function. We interpret P878A as a variant of uncertain significance.The variant is found in EPILEPSY panel(s).